The following is an entry in ClinVar:

ClinVar aggregate classification (germline): Likely pathogenic (1 of 4 stars; one submission).

Conditions:
Carnitine palmitoyl transferase 1A deficiency. Also called: CPT I DEFICIENCY; CPT DEFICIENCY, HEPATIC, TYPE I; Carnitine palmitoyltransferase type I deficiency; CPT deficiency, hepatic, type IA; Carnitine palmitoyltransferase 1A deficiency. Identifiers: Orphanet 156, MedGen C1829703, MONDO:0009705, OMIM 255120.

Submission:

Myriad Genetics, Inc.
Classification: Likely pathogenic for Carnitine palmitoyl transferase 1A deficiency. Last evaluated: 2022-05-04. Review status: criteria provided, single submitter. Criteria: Myriad Women's Health Autosomal Recessive and X-Linked Classification Criteria (2021). Collection method: clinical testing. Allele origin: unknown.
Comment: NM_001876.3(CPT1A):c.783T>A(Y261*) is expected to be pathogenic in the context of carnitine palmitoyltransferase IA deficiency. This variant is predicted to lead to an abnormal or absent protein product due to the creation of a premature termination codon in CPT1A, a gene where loss-of-function variants are known to be pathogenic. Please note: this variant was assessed in the context of healthy population screening.

NM_001876.4(CPT1A):c.783T>A (p.Tyr261Ter)

Gene: CPT1A (carnitine palmitoyltransferase 1A; minus strand). Cytogenetic location: 11q13.3.
Variant type: single nucleotide variant.
Coding change: c.783T>A on transcript NM_001876.4 (MANE Select); coding-DNA position 783, T replaced by A.
Protein change: p.Tyr261Ter; replaces tyrosine 261 with a stop codon.
Molecular consequence: nonsense.
Genome position (GRCh38, 1-based): chr11:68,794,900, A>T on the plus strand (T>A on the coding strand, the complement: CPT1A is on the minus strand). VCF-style: chr11-68794900-A-T. GRCh37 (hg19) VCF-style: chr11-68562368-A-T.
Other names: c.783T>A, p.Tyr261Ter (NM_001031847.3); short protein forms Y261*.
Identifiers: ClinVar variation 1726018 (VCV001726018.2), dbSNP rs1189381456, ClinGen allele CA381634749.